The following is an entry in ClinVar:

NM_016030.6(TRAPPC12):c.926C>T (p.Ala309Val)

Gene: TRAPPC12 (trafficking protein particle complex subunit 12; plus strand). Cytogenetic location: 2p25.3.
Variant type: single nucleotide variant.
Coding change: c.926C>T on transcript NM_016030.6 (MANE Select); coding-DNA position 926, C replaced by T.
Protein change: p.Ala309Val; replaces alanine 309 with valine.
Molecular consequence: missense variant.
Genome position (GRCh38, 1-based): chr2:3,388,549, C>T. VCF-style: chr2-3388549-C-T. GRCh37 (hg19) VCF-style: chr2-3392320-C-T.
Other names: c.926C>T, p.Ala309Val (NM_001321102.2); c.926C>T (NM_016030.5); short protein forms A309V.
Identifiers: ClinVar variation 1911808 (VCV001911808.6), dbSNP rs773274814, ClinGen allele CA1515228.

ClinVar aggregate classification (germline): Uncertain significance. Review status: criteria provided, multiple submitters, no conflicts (2 of 4 stars). 2 submissions from 2 submitters: Uncertain significance (2). Last evaluated 2025-10-18.

Conditions:
Inborn genetic diseases. Identifiers: MedGen C0950123, MeSH D030342.

Allele frequency attached by ClinVar (database versions not stated): TOPMed below 0.00001; gnomAD 0.00001.
gnomAD v4.1: 11 of 1,612,982 alleles (0.00068%); highest among the groups gnomAD compares: Admixed American, 0.018%; no homozygotes.

Submissions (2):

Ambry Genetics
Classification: Uncertain significance for Inborn genetic diseases. Last evaluated: 2025-10-18. Review status: criteria provided, single submitter. Criteria: Ambry Variant Classification Scheme 2023. Collection method: clinical testing. Allele origin: germline.

Labcorp Genetics (formerly Invitae), Labcorp
Classification: Uncertain significance. Last evaluated: 2022-06-09. Review status: criteria provided, single submitter. Criteria: Invitae Variant Classification Sherloc (09022015). Collection method: clinical testing. Allele origin: germline.
Comment: In summary, the available evidence is currently insufficient to determine the role of this variant in disease. Therefore, it has been classified as a Variant of Uncertain Significance. Algorithms developed to predict the effect of missense changes on protein structure and function are either unavailable or do not agree on the potential impact of this missense change (SIFT: "Not Available"; PolyPhen-2: "Probably Damaging"; Align-GVGD: "Not Available"). This variant has not been reported in the literature in individuals affected with TRAPPC12-related conditions. This variant is present in population databases (rs773274814, gnomAD 0.03%). This sequence change replaces alanine, which is neutral and non-polar, with valine, which is neutral and non-polar, at codon 309 of the TRAPPC12 protein (p.Ala309Val).